The following is an entry in ClinVar:

ClinVar aggregate classification (germline): Uncertain significance. Review status: criteria provided, multiple submitters, no conflicts (2 of 4 stars). 2 submissions from 2 submitters: Uncertain significance (2). Last evaluated 2026-01-22.

Allele frequency attached by ClinVar (database versions not stated): gnomAD exomes 0.00011; ExAC 0.00015; gnomAD 0.00031; TOPMed 0.00033; ESP Exome Variant Server 0.00039; 1000 Genomes Project 30x 0.00109; 1000 Genomes Project 0.00120.
gnomAD v4.1: 109 of 1,613,708 alleles (0.0068%); highest among the groups gnomAD compares: African/African-American, 0.099%; no homozygotes.

Submissions (2):

Labcorp Genetics (formerly Invitae), Labcorp
Classification: Uncertain significance. Last evaluated: 2026-01-22. Review status: criteria provided, single submitter. Criteria: Invitae Variant Classification Sherloc (09022015). Collection method: clinical testing. Allele origin: germline.
Comment: This sequence change replaces glutamic acid, which is acidic and polar, with lysine, which is basic and polar, at codon 366 of the SPPL2A protein (p.Glu366Lys). This variant is present in population databases (rs199669835, gnomAD 0.1%), and has an allele count higher than expected for a pathogenic variant. This variant has not been reported in the literature in individuals affected with SPPL2A-related conditions. ClinVar contains an entry for this variant (Variation ID: 1357579). An algorithm developed to predict the effect of missense changes on protein structure and function (PolyPhen-2) suggests that this variant is likely to be tolerated. In summary, the available evidence is currently insufficient to determine the role of this variant in disease. Therefore, it has been classified as a Variant of Uncertain Significance.

Ambry Genetics
Classification: Uncertain significance. Last evaluated: 2025-08-30. Review status: criteria provided, single submitter. Criteria: Ambry Variant Classification Scheme 2023. Collection method: clinical testing. Allele origin: germline.

NM_032802.4(SPPL2A):c.1096G>A (p.Glu366Lys)

Gene: SPPL2A (signal peptide peptidase like 2A; minus strand). Cytogenetic location: 15q21.2.
Variant type: single nucleotide variant.
Coding change: c.1096G>A on transcript NM_032802.4 (MANE Select); coding-DNA position 1096, G replaced by A.
Protein change: p.Glu366Lys; replaces glutamic acid 366 with lysine.
Molecular consequence: missense variant.
Genome position (GRCh38, 1-based): chr15:50,726,371, C>T on the plus strand (G>A on the coding strand, the complement: SPPL2A is on the minus strand). VCF-style: chr15-50726371-C-T. GRCh37 (hg19) VCF-style: chr15-51018568-C-T.
Other names: c.1096G>A (NM_032802.3); short protein forms E366K.
Identifiers: ClinVar variation 1357579 (VCV001357579.7), dbSNP rs199669835, ClinGen allele CA7558311.